The following is an entry in ClinVar:

NM_153704.6(TMEM67):c.2146C>T (p.Leu716Phe)

Gene: TMEM67 (transmembrane protein 67; plus strand). Cytogenetic location: 8q22.1.
Variant type: single nucleotide variant.
Coding change: c.2146C>T on transcript NM_153704.6 (MANE Select); coding-DNA position 2146, C replaced by T.
Protein change: p.Leu716Phe; replaces leucine 716 with phenylalanine.
Molecular consequence: missense variant. On other transcripts: non-coding transcript variant (1).
Genome position (GRCh38, 1-based): chr8:93,799,663, C>T. VCF-style: chr8-93799663-C-T. GRCh37 (hg19) VCF-style: chr8-94811891-C-T.
Other names: c.1903C>T, p.Leu635Phe (NM_001142301.1); short protein forms L635F, L716F.
Identifiers: ClinVar variation 5001088 (VCV005001088.1).
Genomic context (GRCh38, chr8:93,799,663, plus strand): 5'-TCCTTTTTACTCCAGGTTGTGGGATTCAAGAACTTAGCATTAATGGACTCATCTTCTAGT[C>T]TTTCTAGAAACCCACCTAGCTACATAGCTCCTTATAGCTGCATTTTGAGATATGCAGTGT-3'
Protein context (NP_714915.3, residues 706-726): NLALMDSSSS[Leu716Phe]SRNPPSYIAP

ClinVar aggregate classification (germline): Uncertain significance (1 of 4 stars; one submission).

Conditions:
TMEM67-related disorder. Also called: TMEM67-related disorders; TMEM67-related condition. Identifiers: MedGen CN239423.

gnomAD v4.1: 2 of 1,613,500 alleles (0.00012%); highest among the groups gnomAD compares: Non-Finnish European, 0.00017%; no homozygotes.

Submission:

PreventionGenetics, part of Exact Sciences
Classification: Uncertain significance for TMEM67-related condition. Last evaluated: 2025-08-07. Review status: criteria provided, single submitter. Criteria: ACMG Guidelines, 2015. Collection method: clinical testing. Allele origin: germline.
Comment: The TMEM67 c.2146C>T variant is predicted to result in the amino acid substitution p.Leu716Phe. To our knowledge, this variant has not been reported in the literature. This variant is reported in 0.00088% of alleles in individuals of European (Non-Finnish) descent in gnomAD. At this time, the clinical significance of this variant is uncertain due to the absence of conclusive functional and genetic evidence.